The following is an entry in ClinVar:

ClinVar aggregate classification (germline): Pathogenic (1 of 4 stars; one submission).

Submission:

Labcorp Genetics (formerly Invitae), Labcorp
Classification: Pathogenic. Last evaluated: 2023-04-14. Review status: criteria provided, single submitter. Criteria: Invitae Variant Classification Sherloc (09022015). Collection method: clinical testing. Allele origin: germline.
Comment: For these reasons, this variant has been classified as Pathogenic. Algorithms developed to predict the effect of sequence changes on RNA splicing suggest that this variant may disrupt the consensus splice site. This variant has not been reported in the literature in individuals affected with MME-related conditions. This variant is not present in population databases (gnomAD no frequency). This sequence change creates a premature translational stop signal (p.Tyr347Cysfs*13) in the MME gene. It is expected to result in an absent or disrupted protein product. Loss-of-function variants in MME are known to be pathogenic (PMID: 26991897).

Literature cited by the submitters: PubMed 26991897.

NM_007289.4(MME):c.1030_1039dup (p.Tyr347fs)

Gene: MME (membrane metalloendopeptidase; plus strand). Cytogenetic location: 3q25.2.
Variant type: Duplication.
Coding change: c.1030_1039dup on transcript NM_007289.4 (MANE Select); coding-DNA positions 1030 to 1039, 10 bases duplicated (GTGGTTGTTT; older notation c.1030_1039dupGTGGTTGTTT).
Protein change: p.Tyr347fs; shifts the reading frame from tyrosine 347.
Molecular consequence: frameshift variant.
Genome position (GRCh38, 1-based): chr3:155,142,063-155,142,072, GTGGTTGTTT duplicated; duplicating any 10 consecutive bases within chr3:155,142,062-155,142,072 gives the same sequence; the c. name uses the placement nearest the transcript's 3' end. VCF-style (leftmost placement, unchanged base first): chr3-155142061-A-ATGTGGTTGTT. GRCh37 (hg19) VCF-style: chr3-154859850-A-ATGTGGTTGTT.
Other names: c.1030_1039dup, p.Tyr347fs (NM_001354643.1, NM_007287.4, NM_007288.3 and 2 more transcripts); short protein forms Y347fs.
Identifiers: ClinVar variation 2868346 (VCV002868346.3), dbSNP rs2473073314, ClinGen allele CA2577939688.